The following is an entry in ClinVar:

ClinVar aggregate classification (germline): Uncertain significance (1 of 4 stars; one submission).

Conditions:
Cardiovascular phenotype. Identifiers: MedGen CN230736.

Submission:

Ambry Genetics
Classification: Uncertain significance for Cardiovascular phenotype. Last evaluated: 2026-06-09. Review status: criteria provided, single submitter. Criteria: Ambry Variant Classification Scheme 2023. Collection method: clinical testing. Allele origin: germline.
Comment: The p.L138Q variant (also known as c.413T>A), located in coding exon 2 of the BAG3 gene, results from a T to A substitution at nucleotide position 413. The leucine at codon 138 is replaced by glutamine, an amino acid with dissimilar properties. This amino acid position is conserved. In addition, this alteration is predicted to be tolerated by in silico analysis. Based on the available evidence, the clinical significance of this variant remains unclear.

NM_004281.4(BAG3):c.413T>A (p.Leu138Gln)

Gene: BAG3 (BAG cochaperone 3; plus strand). Cytogenetic location: 10q26.11.
Variant type: single nucleotide variant.
Coding change: c.413T>A on transcript NM_004281.4 (MANE Select); coding-DNA position 413, T replaced by A.
Protein change: p.Leu138Gln; replaces leucine 138 with glutamine.
Molecular consequence: missense variant.
Genome position (GRCh38, 1-based): chr10:119,670,083, T>A. VCF-style: chr10-119670083-T-A. GRCh37 (hg19) VCF-style: chr10-121429595-T-A.
Other names: short protein forms L138Q.
Identifiers: ClinVar variation 4867333 (VCV004867333.1).